The following is an entry in ClinVar:

ClinVar aggregate classification (germline): Likely pathogenic (1 of 4 stars; one submission).

Conditions:
Skraban-Deardorff syndrome. Also called: INTELLECTUAL DISABILITY WITH SEIZURES, ABNORMAL GAIT, AND DISTINCTIVE FACIAL FEATURES; WDR26-Related Intellectual Disability. Identifiers: Orphanet 513456, MedGen C4539927, MONDO:0054636, OMIM 617616.

Submission:

3billion
Classification: Likely pathogenic for Skraban-Deardorff syndrome. Last evaluated: 2025-02-27. Review status: criteria provided, single submitter. Criteria: ACMG Guidelines, 2015. Collection method: clinical testing. Allele origin: germline. Affected: yes.
Comment: The variant is not observed in the gnomAD v4.1.0 dataset. Predicted Consequence/Location: Frameshift: predicted to result in a loss or disruption of normal protein function through nonsense-mediated decay (NMD) or protein truncation. Multiple pathogenic variants are reported downstream of the variant. Therefore, this variant is classified as Likely pathogenic according to the recommendation of ACMG/AMP guideline.

NM_001379403.1(WDR26):c.2128del (p.Thr710fs)

Gene: WDR26 (WD repeat domain 26; minus strand). Cytogenetic location: 1q42.11.
Variant type: Deletion.
Coding change: c.2128del on transcript NM_001379403.1 (MANE Select); coding-DNA position 2128, one base deleted (A; older notation c.2128delA).
Protein change: p.Thr710fs; shifts the reading frame from threonine 710.
Molecular consequence: frameshift variant.
Genome position (GRCh38, 1-based): chr1:224,393,960, T deleted on the plus strand (A on the coding strand, the reverse complement: WDR26 is on the minus strand). VCF-style (leftmost placement, unchanged base first): chr1-224393959-GT-G. GRCh37 (hg19) VCF-style: chr1-224581661-GT-G.
Other names: c.1780del, p.Thr594fs (NM_001115113.3); c.1828del, p.Thr610fs (NM_025160.7); short protein forms T594fs, T610fs, T710fs.
Identifiers: ClinVar variation 4293197 (VCV004293197.1).